The following is an entry in ClinVar:

NM_000053.4(ATP7B):c.3118A>T (p.Met1040Leu)

Gene: ATP7B (ATPase copper transporting beta; minus strand). Cytogenetic location: 13q14.3.
Variant type: single nucleotide variant.
Coding change: c.3118A>T on transcript NM_000053.4 (MANE Select); coding-DNA position 3118, A replaced by T.
Protein change: p.Met1040Leu; replaces methionine 1040 with leucine.
Molecular consequence: missense variant.
Genome position (GRCh38, 1-based): chr13:51,944,234, T>A on the plus strand (A>T on the coding strand, the complement: ATP7B is on the minus strand). VCF-style: chr13-51944234-T-A. GRCh37 (hg19) VCF-style: chr13-52518370-T-A.
Other names: c.2878A>T, p.Met960Leu (NM_001406530.1); c.2866A>T, p.Met956Leu (NM_001406531.1, NM_001406532.1, NM_001330579.2); c.2830A>T, p.Met944Leu (NM_001406534.1); c.2788A>T, p.Met930Leu (NM_001406535.1, NM_001406536.1); c.2779A>T, p.Met927Leu (NM_001406537.1); c.2884A>T, p.Met962Leu (NM_001406538.1, NM_001330578.2, NM_001406527.1 and 1 more transcripts); c.2689A>T, p.Met897Leu (NM_001406539.1); c.2671A>T, p.Met891Leu (NM_001406540.1); and 18 more; short protein forms M1040L, M924L, M929L, M981L, M1008L, M759L, M813L, M846L.
Identifiers: ClinVar variation 2124458 (VCV002124458.4), dbSNP rs1957515922, ClinGen allele CA388030333.
Genomic context (GRCh38, chr13:51,944,234, plus strand): 5'-CCACAGCCAGAACCTTCCTGAGGGGCAGTGTGGCCACATCCCCCAGCAGGAGCACCCGCA[T>A]GACCCTGGGGACGCCATGGGTAATGGTGCCAGTCTTGTCAAACATCACAGTCTTTATCTG-3'
Protein context (NP_000044.2, residues 1030-1050): GTITHGVPRV[Met1040Leu]RVLLLGDVAT

ClinVar aggregate classification (germline): Uncertain significance (1 of 4 stars; one submission).

Conditions:
Wilson disease (WND). Also called: Wilson's disease. Identifiers: Orphanet 905, MedGen C0019202, MONDO:0010200, OMIM 277900. Disease mechanism: loss of function.

Submission:

Labcorp Genetics (formerly Invitae), Labcorp
Classification: Uncertain significance for Wilson disease. Last evaluated: 2022-04-10. Review status: criteria provided, single submitter. Criteria: Invitae Variant Classification Sherloc (09022015). Collection method: clinical testing. Allele origin: germline.
Comment: This sequence change replaces methionine, which is neutral and non-polar, with leucine, which is neutral and non-polar, at codon 1040 of the ATP7B protein (p.Met1040Leu). This variant is not present in population databases (gnomAD no frequency). This variant has not been reported in the literature in individuals affected with ATP7B-related conditions. Advanced modeling of protein sequence and biophysical properties (such as structural, functional, and spatial information, amino acid conservation, physicochemical variation, residue mobility, and thermodynamic stability) performed at Invitae indicates that this missense variant is not expected to disrupt ATP7B protein function. In summary, the available evidence is currently insufficient to determine the role of this variant in disease. Therefore, it has been classified as a Variant of Uncertain Significance.